The following is an entry in ClinVar:

ClinVar aggregate classification (germline): Uncertain significance (1 of 4 stars; one submission).

gnomAD v4.1: 4 of 1,609,700 alleles (0.00025%); highest among the groups gnomAD compares: Non-Finnish European, 0.00025%; no homozygotes.

Submission:

Ambry Genetics
Classification: Uncertain significance. Last evaluated: 2024-07-31. Review status: criteria provided, single submitter. Criteria: Ambry Variant Classification Scheme 2023. Collection method: clinical testing. Allele origin: germline.
Comment: The p.R119W variant (also known as c.355C>T), located in coding exon 1 of the EGLN2 gene, results from a C to T substitution at nucleotide position 355. The arginine at codon 119 is replaced by tryptophan, an amino acid with dissimilar properties. This amino acid position is conserved. In addition, this alteration is predicted to be tolerated by in silico analysis. Since supporting evidence is limited at this time, the clinical significance of this alteration remains unclear.

NM_080732.4(EGLN2):c.355C>T (p.Arg119Trp)

Genes: EGLN2 (egl-9 family hypoxia inducible factor 2; plus strand), RAB4B-EGLN2 (RAB4B-EGLN2 readthrough (NMD candidate); plus strand). Cytogenetic location: 19q13.2.
Variant type: single nucleotide variant.
Coding change: c.355C>T on transcript NM_080732.4 (MANE Select); coding-DNA position 355, C replaced by T.
Protein change: p.Arg119Trp; replaces arginine 119 with tryptophan.
Molecular consequence: missense variant. On other transcripts: non-coding transcript variant (1).
Genome position (GRCh38, 1-based): chr19:40,800,927, C>T. VCF-style: chr19-40800927-C-T. GRCh37 (hg19) VCF-style: chr19-41306832-C-T.
Other names: c.355C>T, p.Arg119Trp (NM_053046.4); short protein forms R119W.
Identifiers: ClinVar variation 1732680 (VCV001732680.3), dbSNP rs1014513026, ClinGen allele CA308487082.